The following is an entry in ClinVar:

NM_212482.4(FN1):c.638G>T (p.Cys213Phe)

Gene: FN1 (fibronectin 1; minus strand). Cytogenetic location: 2q35.
Variant type: single nucleotide variant.
Coding change: c.638G>T on transcript NM_212482.4 (MANE Select); coding-DNA position 638, G replaced by T.
Protein change: p.Cys213Phe; replaces cysteine 213 with phenylalanine.
Molecular consequence: missense variant.
Genome position (GRCh38, 1-based): chr2:215,430,762, C>A on the plus strand (G>T on the coding strand, the complement: FN1 is on the minus strand). VCF-style: chr2-215430762-C-A. GRCh37 (hg19) VCF-style: chr2-216295485-C-A.
Other names: c.638G>T, p.Cys213Phe (NM_001306129.2, NM_001306130.2, NM_001306131.2 and 14 more transcripts); short protein forms C213F.
Identifiers: ClinVar variation 4855965 (VCV004855965.1).

ClinVar aggregate classification (germline): Likely pathogenic (1 of 4 stars; one submission).

Conditions:
Spondylometaphyseal dysplasia - Sutcliffe type. Also called: Spondylometaphyseal Dysplasia, Corner Fracture Type; Sutcliffe type of spondylometaphyseal dysplasia; Sutcliffe SMD; Spondylometaphyseal dysplasia, 'corner fracture' type. Identifiers: Orphanet 93315, MedGen C0432221, MONDO:0008479, OMIM 184255.

Submission:

3billion
Classification: Likely pathogenic for Spondylometaphyseal dysplasia - Sutcliffe type. Last evaluated: 2025-10-06. Review status: criteria provided, single submitter. Criteria: ACMG Guidelines, 2015. Collection method: clinical testing. Allele origin: germline. Affected: yes.
Comment: The variant is not observed in the gnomAD v4.1.0 dataset. Predicted Consequence/Location: Missense variant. Missense changes are a common disease-causing mechanism. In silico tool predictions suggest damaging effect of the variant on gene or gene product [REVEL: 0.90 (>=0.6, sensitivity 0.68 and specificity 0.92); 3Cnet: 0.99 (> 0.75, sensitivity 0.96 and precision 0.92)]. Different missense changes at the same codon (p.Cys213Arg, p.Cys213Tyr) have been reported as pathogenic/likely pathogenic with strong evidence (ClinVar ID: VCV000549707, VCV003906951 /PMID: 30599297). Therefore, this variant is classified as Likely pathogenic according to the recommendation of ACMG/AMP guideline.

Literature cited by the submitters: PubMed 30599297.